The following is an entry in ClinVar:

NM_017780.4(CHD7):c.8946C>T (p.Asp2982=)

Gene: CHD7 (chromodomain helicase DNA binding protein 7; plus strand). Cytogenetic location: 8q12.2.
Variant type: single nucleotide variant.
Coding change: c.8946C>T on transcript NM_017780.4 (MANE Select); coding-DNA position 8946, C replaced by T.
Protein change: p.Asp2982=; no amino-acid change (aspartic acid 2982 retained).
Molecular consequence: synonymous variant.
Genome position (GRCh38, 1-based): chr8:60,865,885, C>T. VCF-style: chr8-60865885-C-T. GRCh37 (hg19) VCF-style: chr8-61778444-C-T.
Other names: c.2799C>T, p.Asp933= (NM_001316690.1).
Identifiers: ClinVar variation 1712604 (VCV001712604.3), dbSNP rs1806223919, ClinGen allele CA461106255.
Genomic context (GRCh38, chr8:60,865,885, plus strand): 5'-GGATAAGACTGCAGAGTCCTCCCTCTTAGAAGACGAAATAGCACAGGGTGAAGAGCTAGA[C>T]TCACTTGATGGGGGGGATGAAATAGAAAACAATGAAAATGATGAATAACCAGTACCAGTT-3'
Protein context (NP_060250.2, residues 2972-2992): EDEIAQGEEL[Asp2982=]SLDGGDEIEN

ClinVar aggregate classification (germline): Uncertain significance (1 of 4 stars; one submission).

Allele frequency attached by ClinVar (database versions not stated): gnomAD exomes below 0.00001; TOPMed 0.00001.
gnomAD v4.1: 3 of 1,611,038 alleles (0.00019%); highest among the groups gnomAD compares: Non-Finnish European, 0.00017%; no homozygotes.

Submission:

GeneDx
Classification: Uncertain significance. Last evaluated: 2023-03-08. Review status: criteria provided, single submitter. Criteria: GeneDx Variant Classification Process June 2021. Collection method: clinical testing. Allele origin: germline.
Comment: Not observed at significant frequency in large population cohorts (gnomAD); In silico analysis supports that this variant does not alter splicing; Has not been previously published as pathogenic or benign to our knowledge